The following is an entry in ClinVar:

NM_024408.4(NOTCH2):c.2479+225A>G

Gene: NOTCH2 (notch receptor 2; minus strand). Cytogenetic location: 1p12.
Variant type: single nucleotide variant.
Coding change: c.2479+225A>G on transcript NM_024408.4 (MANE Select); 225 bases into the intron after coding-DNA position 2479, A replaced by G.
Molecular consequence: intron variant.
Genome position (GRCh38, 1-based): chr1:119,950,499, T>C on the plus strand (A>G on the coding strand, the complement: NOTCH2 is on the minus strand). VCF-style: chr1-119950499-T-C. GRCh37 (hg19) VCF-style: chr1-120493122-T-C.
Other names: c.2479+225A>G (NM_001200001.2).
Identifiers: ClinVar variation 133368 (VCV000133368.2), dbSNP rs782788145, ClinGen allele CA156458.

ClinVar aggregate classification (germline): Likely benign. Review status: criteria provided, single submitter (1 of 4 stars). 2 submissions from 2 submitters: Likely benign (1). 1 of the submissions does not count toward it. Last evaluated 2025-02-16.

Allele frequency attached by ClinVar (database versions not stated): ExAC below 0.00001; gnomAD 0.00002 and 0.00001; TOPMed 0.00003; gnomAD exomes 0.00005 and 0.00016.
gnomAD v4.1: 89 of 673,370 alleles (0.013%); highest among the groups gnomAD compares: Non-Finnish European, 0.021%; 3 homozygotes.

Submissions (2):

Laboratory of Genetics, Children's Clinical University Hospital Latvia
Classification: Likely benign. Last evaluated: 2025-02-16. Review status: criteria provided, single submitter. Criteria: ACMG Guidelines, 2015. Collection method: clinical testing. Allele origin: germline. Affected: yes.

ITMI
No classification provided. Condition: AllHighlyPenetrant. Last evaluated: 2013-09-19. Review status: no classification provided. Collection method: reference population. Allele origin: germline. Not counted in ClinVar's aggregate classification.
Comment: Please see associated publication for description of ethnicities

Literature cited by the submitters: PubMed 24728327 (cited by ITMI).